The following is an entry in ClinVar:

ClinVar aggregate classification (germline): Conflicting classifications of pathogenicity. Review status: criteria provided, conflicting classifications (1 of 4 stars). 2 submissions from 2 submitters: Uncertain significance (1); Likely benign (1). Last evaluated 2024-11-07.

Conditions:
Spastic paraplegia. Identifiers: MedGen C0037772, HP:0001258.

Allele frequency attached by ClinVar (database versions not stated): gnomAD exomes below 0.00001 and 0.00002; TOPMed 0.00001; ExAC 0.00003; gnomAD 0.00003; ESP Exome Variant Server 0.00008.
gnomAD v4.1: 17 of 1,610,780 alleles (0.0011%); highest among the groups gnomAD compares: Non-Finnish European, 0.0014%; no homozygotes.

Submissions (2):

Blueprint Genetics
Classification: Likely benign. Last evaluated: 2024-11-07. Review status: criteria provided, single submitter. Criteria: ACMG Guidelines, 2015. Collection method: clinical testing. Allele origin: germline.

Labcorp Genetics (formerly Invitae), Labcorp
Classification: Uncertain significance for Spastic paraplegia. Last evaluated: 2024-10-17. Review status: criteria provided, single submitter. Criteria: Invitae Variant Classification Sherloc (09022015). Collection method: clinical testing. Allele origin: germline.
Comment: This sequence change falls in intron 35 of the ZFYVE26 gene. It does not directly change the encoded amino acid sequence of the ZFYVE26 protein. It affects a nucleotide within the consensus splice site. This variant is present in population databases (rs369254983, gnomAD 0.002%). This variant has not been reported in the literature in individuals affected with ZFYVE26-related conditions. ClinVar contains an entry for this variant (Variation ID: 1420841). Variants that disrupt the consensus splice site are a relatively common cause of aberrant splicing (PMID: 17576681, 9536098). Algorithms developed to predict the effect of sequence changes on RNA splicing suggest that this variant is not likely to affect RNA splicing. In summary, the available evidence is currently insufficient to determine the role of this variant in disease. Therefore, it has been classified as a Variant of Uncertain Significance.

Literature cited by the submitters: PubMed 17576681 (cited by Labcorp Genetics (formerly Invitae), Labcorp); PubMed 9536098 (cited by Labcorp Genetics (formerly Invitae), Labcorp).

NM_015346.4(ZFYVE26):c.6588+4G>A

Gene: ZFYVE26 (zinc finger FYVE-type containing 26; minus strand). Cytogenetic location: 14q24.1.
Variant type: single nucleotide variant.
Coding change: c.6588+4G>A on transcript NM_015346.4 (MANE Select); 4 bases into the intron after coding-DNA position 6588, G replaced by A.
Molecular consequence: intron variant.
Genome position (GRCh38, 1-based): chr14:67,761,362, C>T on the plus strand (G>A on the coding strand, the complement: ZFYVE26 is on the minus strand). VCF-style: chr14-67761362-C-T. GRCh37 (hg19) VCF-style: chr14-68228079-C-T.
Identifiers: ClinVar variation 1420841 (VCV001420841.6), dbSNP rs369254983, ClinGen allele CA7239203.